The following is an entry in ClinVar:

NM_000542.5(SFTPB):c.41T>C (p.Leu14Pro)

Gene: SFTPB (surfactant protein B; minus strand). Cytogenetic location: 2p11.2.
Variant type: single nucleotide variant.
Coding change: c.41T>C on transcript NM_000542.5 (MANE Select); coding-DNA position 41, T replaced by C.
Protein change: p.Leu14Pro; replaces leucine 14 with proline.
Molecular consequence: missense variant.
Genome position (GRCh38, 1-based): chr2:85,668,143, A>G on the plus strand (T>C on the coding strand, the complement: SFTPB is on the minus strand). VCF-style: chr2-85668143-A-G. GRCh37 (hg19) VCF-style: chr2-85895266-A-G.
Other names: c.41T>C, p.Leu14Pro (NM_001367281.2, NM_198843.4); short protein forms L14P.
Identifiers: ClinVar variation 337312 (VCV000337312.6), dbSNP rs886056384, ClinGen allele CA10614546.

ClinVar aggregate classification (germline): Uncertain significance. Review status: criteria provided, multiple submitters, no conflicts (2 of 4 stars). 2 submissions from 2 submitters: Uncertain significance (2). Last evaluated 2025-10-01.

Conditions:
Surfactant metabolism dysfunction, pulmonary, 1. Also called: INTERSTITIAL LUNG DISEASE DUE TO SURFACTANT PROTEIN B DEFICIENCY; INTERSTITIAL LUNG DISEASE, NONSPECIFIC, DUE TO SURFACTANT PROTEIN B DEFICIENCY; PULMONARY ALVEOLAR PROTEINOSIS, CONGENITAL, 1; Pulmonary surfactant protein B, deficiency of; Neonatal acute respiratory distress due to SP-B deficiency. Identifiers: Orphanet 217563, MedGen C1968602, MONDO:0009929, OMIM 265120.

Allele frequency attached by ClinVar (database versions not stated): gnomAD exomes 0.00001 and 0.00007; TOPMed 0.00002; gnomAD 0.00003.

Submissions (2):

Labcorp Genetics (formerly Invitae), Labcorp
Classification: Uncertain significance. Last evaluated: 2025-10-01. Review status: criteria provided, single submitter. Criteria: Invitae Variant Classification Sherloc (09022015). Collection method: clinical testing. Allele origin: germline.
Comment: This sequence change replaces leucine, which is neutral and non-polar, with proline, which is neutral and non-polar, at codon 26 of the SFTPB protein (p.Leu26Pro). This variant is present in population databases (no rsID available, gnomAD 0.04%). This variant has not been reported in the literature in individuals affected with SFTPB-related conditions. ClinVar contains an entry for this variant (Variation ID: 337312). An algorithm developed to predict the effect of missense changes on protein structure and function (PolyPhen-2) suggests that this variant is likely to be disruptive. In summary, the available evidence is currently insufficient to determine the role of this variant in disease. Therefore, it has been classified as a Variant of Uncertain Significance.

Illumina Laboratory Services, Illumina
Classification: Uncertain significance for Surfactant metabolism dysfunction, pulmonary, 1. Last evaluated: 2018-01-13. Review status: criteria provided, single submitter. Criteria: ICSL Variant Classification Criteria 13 December 2019. Collection method: clinical testing. Allele origin: germline.